The following is an entry in ClinVar:

ClinVar aggregate classification (germline): Uncertain significance (1 of 4 stars; one submission).

Submission:

Mayo Clinic Laboratories, Mayo Clinic
Classification: Uncertain significance. Last evaluated: 2024-09-25. Review status: criteria provided, single submitter. Criteria: ACMG Guidelines, 2015. Collection method: clinical testing. Allele origin: germline. Observed: 1 variant allele.
Comment: PM2

NM_153704.6(TMEM67):c.2454C>G (p.Ser818Arg)

Gene: TMEM67 (transmembrane protein 67; plus strand). Cytogenetic location: 8q22.1.
Variant type: single nucleotide variant.
Coding change: c.2454C>G on transcript NM_153704.6 (MANE Select); coding-DNA position 2454, C replaced by G.
Protein change: p.Ser818Arg; replaces serine 818 with arginine.
Molecular consequence: missense variant. On other transcripts: non-coding transcript variant (1).
Genome position (GRCh38, 1-based): chr8:93,808,854, C>G. VCF-style: chr8-93808854-C-G. GRCh37 (hg19) VCF-style: chr8-94821082-C-G.
Other names: p.Ser818Arg; c.2211C>G, p.Ser737Arg (NM_001142301.1); short protein forms S737R, S818R.
Identifiers: ClinVar variation 3379827 (VCV003379827.1).